The following is an entry in ClinVar:

NM_001164508.2(NEB):c.24262A>G (p.Met8088Val)

Genes: NEB (nebulin; minus strand), RIF1 (replication timing regulatory factor 1; plus strand). Cytogenetic location: 2q23.3.
Variant type: single nucleotide variant.
Coding change: c.24262A>G on transcript NM_001164508.2 (MANE Select); coding-DNA position 24262, A replaced by G.
Protein change: p.Met8088Val; replaces methionine 8088 with valine.
Molecular consequence: missense variant. On other transcripts: intron variant (1).
Genome position (GRCh38, 1-based): chr2:151,497,664, T>C on the plus strand (A>G on the coding strand, the complement: NEB is on the minus strand). VCF-style: chr2-151497664-T-C. GRCh37 (hg19) VCF-style: chr2-152354178-T-C.
Other names: c.24262A>G, p.Met8088Val (NM_001164507.2); c.24367A>G, p.Met8123Val (NM_001271208.2); c.18826-1296A>G (NM_004543.5); short protein forms M8088V, M8123V.
Identifiers: ClinVar variation 1426291 (VCV001426291.23), dbSNP rs746180925, ClinGen allele CA1906117.

ClinVar aggregate classification (germline): Uncertain significance. Review status: criteria provided, multiple submitters, no conflicts (2 of 4 stars). 2 submissions from 2 submitters: Uncertain significance (2). Last evaluated 2024-06-01.

Conditions:
Nemaline myopathy 2 (NEM2). Also called: Nemaline myopathy 2, autosomal recessive. Identifiers: MedGen C1850569, MONDO:0009725, OMIM 256030.

Allele frequency attached by ClinVar (database versions not stated): gnomAD 0.00001; gnomAD exomes 0.00001; TOPMed 0.00001; ExAC 0.00003.
gnomAD v4.1: 19 of 1,585,562 alleles (0.0012%); highest among the groups gnomAD compares: Non-Finnish European, 0.0016%; no homozygotes.

Submissions (2):

CeGaT Center for Human Genetics Tuebingen
Classification: Uncertain significance. Last evaluated: 2024-06-01. Review status: criteria provided, single submitter. Criteria: CeGaT Center For Human Genetics Tuebingen Variant Classification Criteria Version 2. Collection method: clinical testing. Allele origin: germline. Affected: yes. Observed: 1 variant allele.
Comment: NEB: PM2, BP4

Labcorp Genetics (formerly Invitae), Labcorp
Classification: Uncertain significance for Nemaline myopathy 2. Last evaluated: 2022-03-29. Review status: criteria provided, single submitter. Criteria: Invitae Variant Classification Sherloc (09022015). Collection method: clinical testing. Allele origin: germline.
Comment: This sequence change replaces methionine, which is neutral and non-polar, with valine, which is neutral and non-polar, at codon 8123 of the NEB protein (p.Met8123Val). The frequency data for this variant in the population databases is considered unreliable, as metrics indicate poor data quality at this position in the gnomAD database. This variant has not been reported in the literature in individuals affected with NEB-related conditions. Algorithms developed to predict the effect of missense changes on protein structure and function are either unavailable or do not agree on the potential impact of this missense change (SIFT: "Deleterious"; PolyPhen-2: "Not Available"; Align-GVGD: "Class C0"). In summary, the available evidence is currently insufficient to determine the role of this variant in disease. Therefore, it has been classified as a Variant of Uncertain Significance.